The following is an entry in ClinVar:

ClinVar aggregate classification (germline): Uncertain significance. Review status: criteria provided, multiple submitters, no conflicts (2 of 4 stars). 2 submissions from 2 submitters: Uncertain significance (2). Last evaluated 2023-05-22.

Conditions:
Emery-Dreifuss muscular dystrophy 4, autosomal dominant (EDMD4). Also called: EMERY-DREIFUSS MUSCULAR DYSTROPHY 4 WITH VARIABLE FEATURES. Identifiers: Orphanet 261, MedGen C2751807, MONDO:0013071, OMIM 612998.
Autosomal recessive ataxia, Beauce type. Also called: Spinocerebellar ataxia, autosomal recessive 8; ATAXIA, RECESSIVE, OF BEAUCE; SYNE1 Deficiency; SYNE1-Related Autosomal Recessive Cerebellar Ataxia. Identifiers: Orphanet 88644, MedGen C1853116, MONDO:0012549, OMIM 610743.

Allele frequency attached by ClinVar (database versions not stated): gnomAD exomes 0.00003 and 0.00001.
gnomAD v4.1: 43 of 1,614,084 alleles (0.0027%); highest among the groups gnomAD compares: Non-Finnish European, 0.0036%; no homozygotes.

Submissions (2):

Revvity Omics, Revvity
Classification: Uncertain significance. Last evaluated: 2023-05-22. Review status: criteria provided, single submitter. Criteria: ACMG Guidelines, 2015. Collection method: clinical testing. Allele origin: germline.

Labcorp Genetics (formerly Invitae), Labcorp
Classification: Uncertain significance for Emery-Dreifuss muscular dystrophy 4, autosomal dominant; Autosomal recessive ataxia, Beauce type. Last evaluated: 2021-07-20. Review status: criteria provided, single submitter. Criteria: Invitae Variant Classification Sherloc (09022015). Collection method: clinical testing. Allele origin: germline.
Comment: This variant is not present in population databases (ExAC no frequency). This variant has not been reported in the literature in individuals with SYNE1-related conditions. Algorithms developed to predict the effect of missense changes on protein structure and function are either unavailable or do not agree on the potential impact of this missense change (SIFT: "Deleterious"; PolyPhen-2: "Benign"; Align-GVGD: "Class C15"). This sequence change replaces serine with isoleucine at codon 6026 of the SYNE1 protein (p.Ser6026Ile). The serine residue is weakly conserved and there is a large physicochemical difference between serine and isoleucine. In summary, the available evidence is currently insufficient to determine the role of this variant in disease. Therefore, it has been classified as a Variant of Uncertain Significance.

NM_182961.4(SYNE1):c.18290G>T (p.Ser6097Ile)

Gene: SYNE1 (spectrin repeat containing nuclear envelope protein 1; minus strand). Cytogenetic location: 6q25.2.
Variant type: single nucleotide variant.
Coding change: c.18290G>T on transcript NM_182961.4 (MANE Select); coding-DNA position 18290, G replaced by T.
Protein change: p.Ser6097Ile; replaces serine 6097 with isoleucine.
Molecular consequence: missense variant.
Genome position (GRCh38, 1-based): chr6:152,281,898, C>A on the plus strand (G>T on the coding strand, the complement: SYNE1 is on the minus strand). VCF-style: chr6-152281898-C-A. GRCh37 (hg19) VCF-style: chr6-152603033-C-A.
Other names: c.18077G>T, p.Ser6026Ile (NM_033071.5); c.18077G>T (NM_033071.3); short protein forms S6026I, S6097I.
Identifiers: ClinVar variation 1058662 (VCV001058662.11), dbSNP rs899182753, ClinGen allele CA366095536.